The following is an entry in ClinVar:

NM_004958.4(MTOR):c.5095G>A (p.Ala1699Thr)

Gene: MTOR (mechanistic target of rapamycin kinase; minus strand). Cytogenetic location: 1p36.22.
Variant type: single nucleotide variant.
Coding change: c.5095G>A on transcript NM_004958.4 (MANE Select); coding-DNA position 5095, G replaced by A.
Protein change: p.Ala1699Thr; replaces alanine 1699 with threonine.
Molecular consequence: missense variant.
Genome position (GRCh38, 1-based): chr1:11,139,339, C>T on the plus strand (G>A on the coding strand, the complement: MTOR is on the minus strand). VCF-style: chr1-11139339-C-T. GRCh37 (hg19) VCF-style: chr1-11199396-C-T.
Other names: c.5095G>A, p.Ala1699Thr (NM_001386500.1); c.3847G>A, p.Ala1283Thr (NM_001386501.1); short protein forms A1283T, A1699T.
Identifiers: ClinVar variation 2857995 (VCV002857995.3), dbSNP rs759914666, ClinGen allele CA589455.

ClinVar aggregate classification (germline): Uncertain significance (1 of 4 stars; one submission).

Allele frequency attached by ClinVar (database versions not stated): gnomAD exomes below 0.00001; TOPMed below 0.00001; ExAC 0.00002.
gnomAD v4.1: 2 of 1,612,248 alleles (0.00012%); highest among the groups gnomAD compares: East Asian, 0.0022%; no homozygotes.

Submission:

Labcorp Genetics (formerly Invitae), Labcorp
Classification: Uncertain significance. Last evaluated: 2023-08-02. Review status: criteria provided, single submitter. Criteria: Invitae Variant Classification Sherloc (09022015). Collection method: clinical testing. Allele origin: germline.
Comment: This sequence change replaces alanine, which is neutral and non-polar, with threonine, which is neutral and polar, at codon 1699 of the MTOR protein (p.Ala1699Thr). This variant is present in population databases (rs759914666, gnomAD 0.007%). This variant has not been reported in the literature in individuals affected with MTOR-related conditions. Advanced modeling of protein sequence and biophysical properties (such as structural, functional, and spatial information, amino acid conservation, physicochemical variation, residue mobility, and thermodynamic stability) performed at Invitae indicates that this missense variant is not expected to disrupt MTOR protein function. In summary, the available evidence is currently insufficient to determine the role of this variant in disease. Therefore, it has been classified as a Variant of Uncertain Significance.